The following is an entry in ClinVar:

ClinVar aggregate classification (germline): Uncertain significance (1 of 4 stars; one submission).

Conditions:
Familial meningioma. Also called: Meningioma, familial, susceptibility to. Identifiers: Orphanet 263662, MedGen C3551915, MONDO:0011789, OMIM 607174.

Submission:

Labcorp Genetics (formerly Invitae), Labcorp
Classification: Uncertain significance for Familial meningioma. Last evaluated: 2025-05-14. Review status: criteria provided, single submitter. Criteria: Invitae Variant Classification Sherloc (09022015). Collection method: clinical testing. Allele origin: germline.
Comment: This sequence change replaces leucine, which is neutral and non-polar, with proline, which is neutral and non-polar, at codon 260 of the SMARCE1 protein (p.Leu260Pro). This variant is not present in population databases (gnomAD no frequency). This variant has not been reported in the literature in individuals affected with SMARCE1-related conditions. Invitae Evidence Modeling of protein sequence and biophysical properties (such as structural, functional, and spatial information, amino acid conservation, physicochemical variation, residue mobility, and thermodynamic stability) indicates that this missense variant is expected to disrupt SMARCE1 protein function with a positive predictive value of 80%. In summary, the available evidence is currently insufficient to determine the role of this variant in disease. Therefore, it has been classified as a Variant of Uncertain Significance.

NM_003079.5(SMARCE1):c.779T>C (p.Leu260Pro)

Gene: SMARCE1 (SWI/SNF related BAF chromatin remodeling complex subunit E1; minus strand). Cytogenetic location: 17q21.2.
Variant type: single nucleotide variant.
Coding change: c.779T>C on transcript NM_003079.5 (MANE Select); coding-DNA position 779, T replaced by C.
Protein change: p.Leu260Pro; replaces leucine 260 with proline.
Molecular consequence: missense variant.
Genome position (GRCh38, 1-based): chr17:40,631,629, A>G on the plus strand (T>C on the coding strand, the complement: SMARCE1 is on the minus strand). VCF-style: chr17-40631629-A-G. GRCh37 (hg19) VCF-style: chr17-38787881-A-G.
Other names: short protein forms L260P.
Identifiers: ClinVar variation 4743570 (VCV004743570.1).